The following is an entry in ClinVar:

ClinVar aggregate classification (germline): Uncertain significance. Review status: criteria provided, multiple submitters, no conflicts (2 of 4 stars). 3 submissions from 3 submitters: Uncertain significance (3). Last evaluated 2026-06-02.

Conditions:
Mitochondrial complex II deficiency, nuclear type 1. Also called: SUCCINATE CoQ REDUCTASE DEFICIENCY. Identifiers: Orphanet 3208, MedGen C5700310, MONDO:0100294, OMIM 252011.
Pheochromocytoma/paraganglioma syndrome 5. Also called: SDHA-Related Hereditary Paraganglioma-Pheochromocytoma Syndrome; Paragangliomas 5. Identifiers: Orphanet 29072, MedGen C3279992, MONDO:0013602, OMIM 614165.
Hereditary cancer-predisposing syndrome. Also called: Neoplastic Syndromes, Hereditary; Hereditary Cancer Syndrome; Tumor predisposition; Hereditary neoplastic syndrome. Identifiers: Orphanet 140162, MedGen C0027672, MeSH D009386, MONDO:0015356.
Dilated cardiomyopathy 1GG (CMD1GG). Identifiers: Orphanet 154, MedGen C3150898, MONDO:0013339, OMIM 613642.

Allele frequency attached by ClinVar (database versions not stated): gnomAD exomes below 0.00001; gnomAD 0.00001; TOPMed 0.00001.
gnomAD v4.1: 7 of 1,613,504 alleles (0.00043%); highest among the groups gnomAD compares: African/African-American, 0.0027%; no homozygotes.

Submissions (3):

Ambry Genetics
Classification: Uncertain significance for Hereditary cancer-predisposing syndrome. Last evaluated: 2026-06-02. Review status: criteria provided, single submitter. Criteria: Ambry Variant Classification Scheme 2023. Collection method: clinical testing. Allele origin: germline.
Comment: The p.Y124C variant (also known as c.371A>G), located in coding exon 4 of the SDHA gene, results from an A to G substitution at nucleotide position 371. The tyrosine at codon 124 is replaced by cysteine, an amino acid with highly dissimilar properties. This amino acid position is highly conserved in available vertebrate species. In addition, this alteration is predicted to be deleterious by in silico analysis. Based on the available evidence, the clinical significance of this variant remains unclear.

Labcorp Genetics (formerly Invitae), Labcorp
Classification: Uncertain significance for Pheochromocytoma/paraganglioma syndrome 5; Mitochondrial complex II deficiency, nuclear type 1. Last evaluated: 2025-11-26. Review status: criteria provided, single submitter. Criteria: Invitae Variant Classification Sherloc (09022015). Collection method: clinical testing. Allele origin: germline.
Comment: This sequence change replaces tyrosine, which is neutral and polar, with cysteine, which is neutral and slightly polar, at codon 124 of the SDHA protein (p.Tyr124Cys). This variant is present in population databases (no rsID available, gnomAD 0.007%). This variant has not been reported in the literature in individuals affected with SDHA-related conditions. ClinVar contains an entry for this variant (Variation ID: 412323). Invitae Evidence Modeling of protein sequence and biophysical properties (such as structural, functional, and spatial information, amino acid conservation, physicochemical variation, residue mobility, and thermodynamic stability) has been performed for this missense variant. However, the output from this modeling did not meet the statistical confidence thresholds required to predict the impact of this variant on SDHA protein function. In summary, the available evidence is currently insufficient to determine the role of this variant in disease. Therefore, it has been classified as a Variant of Uncertain Significance.

Baylor Genetics
Classification: Uncertain significance for Dilated cardiomyopathy 1GG. Last evaluated: 2024-03-05. Review status: criteria provided, single submitter. Criteria: ACMG Guidelines, 2015. Collection method: clinical testing. Allele origin: unknown.

NM_004168.4(SDHA):c.371A>G (p.Tyr124Cys)

Gene: SDHA (succinate dehydrogenase complex flavoprotein subunit A; plus strand). Cytogenetic location: 5p15.33.
Variant type: single nucleotide variant.
Coding change: c.371A>G on transcript NM_004168.4 (MANE Select); coding-DNA position 371, A replaced by G.
Protein change: p.Tyr124Cys; replaces tyrosine 124 with cysteine.
Molecular consequence: missense variant. On other transcripts: intron variant (1).
Genome position (GRCh38, 1-based): chr5:225,477, A>G. VCF-style: chr5-225477-A-G. GRCh37 (hg19) VCF-style: chr5-225592-A-G.
Other names: c.371A>G, p.Tyr124Cys (NM_001330758.2); c.313-406A>G (NM_001294332.2); short protein forms Y124C.
Identifiers: ClinVar variation 412323 (VCV000412323.15), dbSNP rs935241830, ClinGen allele CA16611927.